The following is an entry in ClinVar:

ClinVar aggregate classification (germline): Likely pathogenic (1 of 4 stars; one submission).

Conditions:
End-stage retinitis pigmentosa.

Submission:

Lab De Baere, Eye and Developmental Genetics Lab, Ghent University
Classification: Likely pathogenic for End-stage retinitis pigmentosa. Last evaluated: 2024-10-01. Review status: criteria provided, single submitter. Criteria: ACMG Guidelines, 2015. Collection method: research. Allele origin: inherited. Affected: yes. Observed: 1 variant allele.
Comment: ACMG/AMP guidelines: PM2, PP3, PP1_PM, PM3_PP

NM_001349884.2(DRAM2):c.314G>T (p.Gly105Val)

Gene: DRAM2 (DNA damage regulated autophagy modulator 2; minus strand). Cytogenetic location: 1p13.3.
Variant type: single nucleotide variant.
Coding change: c.314G>T on transcript NM_001349884.2 (MANE Select); coding-DNA position 314, G replaced by T.
Protein change: p.Gly105Val; replaces glycine 105 with valine.
Molecular consequence: missense variant. On other transcripts: 5 prime UTR variant (1), non-coding transcript variant (3), intron variant (7).
Genome position (GRCh38, 1-based): chr1:111,124,767, C>A on the plus strand (G>T on the coding strand, the complement: DRAM2 is on the minus strand). VCF-style: chr1-111124767-C-A. GRCh37 (hg19) VCF-style: chr1-111667389-C-A.
Other names: c.314G>T, p.Gly105Val (NM_001349881.2, NM_001349882.2, NM_001349885.2 and 1 more transcripts); c.-105G>T (NM_001349891.2); c.-52+1460G>T (NM_001349889.2, NM_001349890.2, NM_001349892.2 and 1 more transcripts); c.41+1460G>T (NM_001349887.2, NM_001349886.2, NM_001349888.2); short protein forms G105V.
Identifiers: ClinVar variation 3544430 (VCV003544430.1).
Genomic context (GRCh38, chr1:111,124,767, plus strand): 5'-TAAGGAAAATACCTATGCTGGGCTAAAACACAAACCTGGAAGTTTGCCACAATAGAAAGT[C>A]CTAAACAACTCAGTATTCCAAGTACAAGGCCAGCCTTGTTTAATTTGATGATAACGTTCT-3'
Protein context (NP_001336813.1, residues 95-115): GLVLGILSCL[Gly105Val]LSIVANFQKT